The following is an entry in ClinVar:

NM_015386.3(COG4):c.1053C>T (p.Ile351=)

Gene: COG4 (component of oligomeric golgi complex 4; minus strand). Cytogenetic location: 16q22.1.
Variant type: single nucleotide variant.
Coding change: c.1053C>T on transcript NM_015386.3 (MANE Select); coding-DNA position 1053, C replaced by T.
Protein change: p.Ile351=; no amino-acid change (isoleucine 351 retained).
Molecular consequence: synonymous variant. On other transcripts: non-coding transcript variant (1).
Genome position (GRCh38, 1-based): chr16:70,508,414, G>A on the plus strand (C>T on the coding strand, the complement: COG4 is on the minus strand). VCF-style: chr16-70508414-G-A. GRCh37 (hg19) VCF-style: chr16-70542317-G-A.
Other names: c.1041C>T, p.Ile347= (NM_001195139.2); c.627C>T, p.Ile209= (NM_001365426.1).
Identifiers: ClinVar variation 512660 (VCV000512660.1), dbSNP rs748356993, ClinGen allele CA8144469.

ClinVar aggregate classification (germline): Likely benign (1 of 4 stars; one submission).

Allele frequency attached by ClinVar (database versions not stated): ExAC 0.00001; gnomAD exomes 0.00001; gnomAD 0.00003 and 0.00004; TOPMed 0.00003.
gnomAD v4.1: 12 of 1,613,568 alleles (0.00074%); highest among the groups gnomAD compares: Middle Eastern, 0.016%; no homozygotes.

Submission:

GeneDx
Classification: Likely benign. Last evaluated: 2017-10-24. Review status: criteria provided, single submitter. Criteria: GeneDx Variant Classification (06012015). Collection method: clinical testing. Allele origin: germline. Affected: yes.
Comment: This variant is considered likely benign or benign based on one or more of the following criteria: it is a conservative change, it occurs at a poorly conserved position in the protein, it is predicted to be benign by multiple in silico algorithms, and/or has population frequency not consistent with disease.